The following is an entry in ClinVar:

NC_000012.11:g.(?_32949033)_(32949242_?)del

Gene: PKP2 (plakophilin 2; minus strand). Cytogenetic location: 12p11.21.
Variant type: Deletion.
Identifiers: ClinVar variation 1067122 (VCV001067122.1).

ClinVar aggregate classification (germline): Likely pathogenic (1 of 4 stars; one submission).

Conditions:
Arrhythmogenic right ventricular dysplasia 9 (ARVD9). Also called: Arrhythmogenic Right Ventricular Dysplasia/Cardiomyopathy 9; ARRHYTHMOGENIC RIGHT VENTRICULAR DYSPLASIA, FAMILIAL, 9. Identifiers: MedGen C1836906, MONDO:0012180, OMIM 609040.

Submission:

Labcorp Genetics (formerly Invitae), Labcorp
Classification: Likely pathogenic for Arrhythmogenic right ventricular dysplasia 9. Last evaluated: 2020-09-24. Review status: criteria provided, single submitter. Criteria: Invitae Variant Classification Sherloc (09022015). Collection method: clinical testing. Allele origin: germline.
Comment: This variant is a gross deletion of the genomic region encompassing exon(s) 12 of the PKP2 gene. While this deletion is not anticipated to result in nonsense mediated decay, it is expected to create a truncated protein product. This variant has not been reported in the literature in individuals with PKP2-related conditions. This variant disrupts the p.Cys796 amino acid residue in PKP2. Other variant(s) that disrupt this residue have been determined to be pathogenic (PMID: 21636032, 23871674, 22781308, 23863954). This suggests that this residue is clinically significant, and that variants that disrupt this residue are likely to be disease-causing. In summary, the currently available evidence indicates that the variant is pathogenic, but additional data are needed to prove that conclusively. Therefore, this variant has been classified as Likely Pathogenic.

Literature cited by the submitters: PubMed 21636032; PubMed 23871674; PubMed 22781308; PubMed 23863954.